The following is an entry in ClinVar:

NC_000001.10:g.(?_17359545)_(17359650_?)dup

Gene: SDHB (succinate dehydrogenase complex iron sulfur subunit B; minus strand). Cytogenetic location: 1p36.13.
Variant type: Duplication.
Identifiers: ClinVar variation 2424598 (VCV002424598.11).

ClinVar aggregate classification (germline): Likely pathogenic (1 of 4 stars; one submission).

Conditions:
Pheochromocytoma. Also called: MAX-Related Hereditary Paraganglioma-Pheochromocytoma Syndrome. Identifiers: Orphanet 29072, MedGen C0031511, MONDO:0008233, OMIM 171300, HP:0002666.
Gastrointestinal stromal tumor. Also called: Gastrointestinal stroma tumor; Gastrointestinal stromal tumor, somatic. Identifiers: Orphanet 44890, MedGen C0238198, MeSH D046152, MONDO:0011719, OMIM 606764, HP:0100723.
Pheochromocytoma/paraganglioma syndrome 4. Also called: CAROTID BODY TUMORS AND MULTIPLE EXTRAADRENAL PHEOCHROMOCYTOMAS; PARAGANGLIOMA, FAMILIAL MALIGNANT; PARAGANGLIOMAS, HEREDITARY EXTRAADRENAL; PHEOCHROMOCYTOMA, FAMILIAL EXTRAADRENAL; Paragangliomas 4; SDHB-Related Hereditary Paraganglioma-Pheochromocytoma Syndrome (Paragangliomas 4). Identifiers: Orphanet 29072, MedGen C1861848, MONDO:0007273, OMIM 115310.

Submission:

Labcorp Genetics (formerly Invitae), Labcorp
Classification: Likely pathogenic for Gastrointestinal stromal tumor; Pheochromocytoma/paraganglioma syndrome 4; Pheochromocytoma. Last evaluated: 2022-10-05. Review status: criteria provided, single submitter. Criteria: Invitae Variant Classification Sherloc (09022015). Collection method: clinical testing. Allele origin: germline.
Comment: This variant results in a copy number gain of the genomic region encompassing exon(s) 3 of the SDHB gene. While the exact position of this variant cannot be determined from the data, sub-genic copy number gains are generally in tandem (PMID: 25640679). This variant is predicted to be out-of-frame, and may result in an absent or disrupted protein product. Loss-of-function variants in SDHB are known to be pathogenic (PMID: 19454582, 19802898). A similar copy number variant has been observed in individual(s) with paraganglioma (PMID: 19351833). In summary, the currently available evidence indicates that the variant is pathogenic, but additional data are needed to prove that conclusively. Therefore, this variant has been classified as Likely Pathogenic.

Literature cited by the submitters: PubMed 25640679; PubMed 19454582; PubMed 19802898; PubMed 19351833.